The following is an entry in ClinVar:

ClinVar aggregate classification (germline): Pathogenic/Likely pathogenic. Review status: criteria provided, multiple submitters, no conflicts (2 of 4 stars). 2 submissions from 2 submitters: Pathogenic (1); Likely pathogenic (1). Last evaluated 2022-09-13.

Conditions:
CDHR1-related disorders.

Submissions (2):

Labcorp Genetics (formerly Invitae), Labcorp
Classification: Pathogenic. Last evaluated: 2022-09-13. Review status: criteria provided, single submitter. Criteria: Invitae Variant Classification Sherloc (09022015). Collection method: clinical testing. Allele origin: germline.
Comment: For these reasons, this variant has been classified as Pathogenic. This variant has not been reported in the literature in individuals affected with CDHR1-related conditions. This variant is not present in population databases (gnomAD no frequency). This sequence change creates a premature translational stop signal (p.Trp652Cysfs*3) in the CDHR1 gene. It is expected to result in an absent or disrupted protein product. Loss-of-function variants in CDHR1 are known to be pathogenic (PMID: 23044944, 23591405, 26103963, 26261414).

Blueprint Genetics
Classification: Likely pathogenic for CDHR1-related disorders. Last evaluated: 2021-05-31. Review status: criteria provided, single submitter. Criteria: ACMG Guidelines, 2015. Collection method: clinical testing. Allele origin: germline. Affected: yes. Observed: 1 variant allele.

Literature cited by the submitters: PubMed 23044944 (cited by Labcorp Genetics (formerly Invitae), Labcorp); PubMed 23591405 (cited by Labcorp Genetics (formerly Invitae), Labcorp); PubMed 26103963 (cited by Labcorp Genetics (formerly Invitae), Labcorp); PubMed 26261414 (cited by Labcorp Genetics (formerly Invitae), Labcorp).

NM_033100.4(CDHR1):c.1956del (p.Trp652fs)

Gene: CDHR1 (cadherin related family member 1; plus strand). Cytogenetic location: 10q23.1.
Variant type: Deletion.
Coding change: c.1956del on transcript NM_033100.4 (MANE Select); coding-DNA position 1956, one base deleted (G; older notation c.1956delG).
Protein change: p.Trp652fs; shifts the reading frame from tryptophan 652.
Molecular consequence: frameshift variant.
Genome position (GRCh38, 1-based): chr10:84,213,264, G deleted; the last of 2 consecutive G bases (chr10:84,213,263-84,213,264); deleting either gives the same sequence. VCF-style (leftmost placement, unchanged base first): chr10-84213262-TG-T. GRCh37 (hg19) VCF-style: chr10-85973018-TG-T.
Other names: c.1956del, p.Trp652fs (NM_001171971.3); short protein forms W652fs.
Identifiers: ClinVar variation 1941911 (VCV001941911.6), dbSNP rs1842370188, ClinGen allele CA1924452932.
Genomic context (GRCh38, chr10:84,213,262, plus strand): 5'-AAGAATTCCATCCGCTCCCTGGATGCCCTGCACAACATCACACCTGGAAGGGACTGCCTA[TG>T]GTCCCTAGAGGTGCAGGCCAAGGACCGGGGCTCCCCATCCTTCAGCACCACAGCCTTACT-3'